The following is an entry in ClinVar:

NM_001077365.2(POMT1):c.281-199G>A

Gene: POMT1 (protein O-mannosyltransferase 1; plus strand). Cytogenetic location: 9q34.13.
Variant type: single nucleotide variant.
Coding change: c.281-199G>A on transcript NM_001077365.2 (MANE Select); 199 bases into the intron before coding-DNA position 281, G replaced by A.
Molecular consequence: intron variant.
Genome position (GRCh38, 1-based): chr9:131,507,169, G>A. VCF-style: chr9-131507169-G-A. GRCh37 (hg19) VCF-style: chr9-134382556-G-A.
Other names: c.119-199G>A (NM_001353198.2, NM_001353194.2, NM_001374689.1 and 3 more transcripts); c.281-199G>A (NM_001353193.2, NM_001136113.2, NM_007171.4 and 1 more transcripts); c.-71-199G>A (NM_001374691.1, NM_001353195.2, NM_001374692.1 and 2 more transcripts); c.174-182G>A (NM_001353196.2); c.-29-1742G>A (NM_001374695.1); c.-30+716G>A (NM_001353200.2).
Identifiers: ClinVar variation 667978 (VCV000667978.2), dbSNP rs6597500, ClinGen allele CA13040132.

ClinVar aggregate classification (germline): Benign. Review status: criteria provided, multiple submitters, no conflicts (2 of 4 stars). 2 submissions from 2 submitters: Benign (2). Last evaluated 2018-06-14.

Allele frequency attached by ClinVar (database versions not stated): 1000 Genomes Project 30x 0.86227; TOPMed 0.86368; 1000 Genomes Project 0.86641; gnomAD 0.87773 and 0.88248.
gnomAD v4.1: 134,394 of 152,250 alleles (88%); highest among the groups gnomAD compares: South Asian, 97%; 60,128 homozygotes.

Submissions (2):

GeneDx
Classification: Benign. Last evaluated: 2018-06-14. Review status: criteria provided, single submitter. Criteria: GeneDx Variant Classification (06012015). Collection method: clinical testing. Allele origin: germline. Affected: yes.
Comment: This variant is considered likely benign or benign based on one or more of the following criteria: it is a conservative change, it occurs at a poorly conserved position in the protein, it is predicted to be benign by multiple in silico algorithms, and/or has population frequency not consistent with disease.

Breakthrough Genomics
Classification: Benign. Review status: criteria provided, single submitter. Criteria: ACMG Guidelines, 2015. Collection method: not provided. Allele origin: germline. Inheritance: Autosomal recessive inheritance. Affected: yes.